The following is an entry in ClinVar:

ClinVar aggregate classification (germline): Uncertain significance. Review status: criteria provided, multiple submitters, no conflicts (2 of 4 stars). 4 submissions from 4 submitters: Uncertain significance (4). Last evaluated 2025-09-11.

Conditions:
POLD1-related polyposis and colorectal cancer syndrome (CRCS10). Also called: COLORECTAL CANCER, SUSCEPTIBILITY TO, ON CHROMOSOME 19q; Colorectal cancer 10; Colorectal cancer, susceptibility to, 10. Identifiers: Orphanet 220460, MedGen C2675481, MONDO:0012953, OMIM 612591.
Hereditary cancer-predisposing syndrome. Also called: Hereditary Cancer Syndrome; Neoplastic Syndromes, Hereditary; Hereditary neoplastic syndrome; Tumor predisposition. Identifiers: Orphanet 140162, MedGen C0027672, MeSH D009386, MONDO:0015356.

Submissions (4):

Ambry Genetics
Classification: Uncertain significance for Hereditary cancer-predisposing syndrome. Last evaluated: 2025-09-11. Review status: criteria provided, single submitter. Criteria: Ambry Variant Classification Scheme 2023. Collection method: clinical testing. Allele origin: germline.
Comment: The p.R311S variant (also known as c.931C>A), located in coding exon 7 of the POLD1 gene, results from a C to A substitution at nucleotide position 931. The arginine at codon 311 is replaced by serine, an amino acid with dissimilar properties. This amino acid position is well conserved in available vertebrate species. In addition, the in silico prediction for this alteration is inconclusive. Based on the available evidence, the clinical significance of this variant remains unclear.

Labcorp Genetics (formerly Invitae), Labcorp
Classification: Uncertain significance for POLD1-related polyposis and colorectal cancer syndrome. Last evaluated: 2025-07-30. Review status: criteria provided, single submitter. Criteria: Invitae Variant Classification Sherloc (09022015). Collection method: clinical testing. Allele origin: germline.
Comment: This sequence change replaces arginine, which is basic and polar, with serine, which is neutral and polar, at codon 311 of the POLD1 protein (p.Arg311Ser). This variant is not present in population databases (gnomAD no frequency). This variant has not been reported in the literature in individuals affected with POLD1-related conditions. ClinVar contains an entry for this variant (Variation ID: 246340). Invitae Evidence Modeling of protein sequence and biophysical properties (such as structural, functional, and spatial information, amino acid conservation, physicochemical variation, residue mobility, and thermodynamic stability) indicates that this missense variant is expected to disrupt POLD1 protein function with a positive predictive value of 80%. In summary, the available evidence is currently insufficient to determine the role of this variant in disease. Therefore, it has been classified as a Variant of Uncertain Significance.

GeneDx
Classification: Uncertain significance. Last evaluated: 2020-09-18. Review status: criteria provided, single submitter. Criteria: GeneDx Variant Classification Process June 2021. Collection method: clinical testing. Allele origin: germline. Affected: yes.
Comment: In silico analysis supports that this missense variant has a deleterious effect on protein structure/function; Has not been previously published as pathogenic or benign to our knowledge

Quest Diagnostics Nichols Institute San Juan Capistrano
Classification: Uncertain significance. Last evaluated: 2018-08-08. Review status: criteria provided, single submitter. Criteria: Quest Diagnostics criteria. Collection method: clinical testing. Allele origin: germline.

NM_002691.4(POLD1):c.931C>A (p.Arg311Ser)

Gene: POLD1 (DNA polymerase delta 1, catalytic subunit; plus strand). Cytogenetic location: 19q13.33.
Variant type: single nucleotide variant.
Coding change: c.931C>A on transcript NM_002691.4 (MANE Select); coding-DNA position 931, C replaced by A.
Protein change: p.Arg311Ser; replaces arginine 311 with serine.
Molecular consequence: missense variant. On other transcripts: non-coding transcript variant (1).
Genome position (GRCh38, 1-based): chr19:50,402,702, C>A. VCF-style: chr19-50402702-C-A. GRCh37 (hg19) VCF-style: chr19-50905959-C-A.
Other names: c.931C>A, p.Arg311Ser (NM_001256849.1, NM_001308632.1); short protein forms R311S.
Identifiers: ClinVar variation 246340 (VCV000246340.20), dbSNP rs201010746, ClinGen allele CA10584616.
Genomic context (GRCh38, chr19:50,402,702, plus strand): 5'-CTGTGGTCTGACGTGGTCAGTCACCCACCGGAAGGGCCATGGCAGCGCATTGCGCCCTTG[C>A]GCGTGCTCAGCTTCGATATCGAGTGCGCCGGCCGCAAAGGTCTGTCCCCGGGCCCGGGCT-3'
Protein context (NP_002682.2, residues 301-321): EGPWQRIAPL[Arg311Ser]VLSFDIECAG